The following is an entry in ClinVar:

NM_012203.2(GRHPR):c.61del (p.Val21fs)

Gene: GRHPR (glyoxylate and hydroxypyruvate reductase; plus strand). Cytogenetic location: 9p13.2.
Variant type: Deletion.
Coding change: c.61del on transcript NM_012203.2 (MANE Select); coding-DNA position 61, one base deleted (G; older notation c.61delG).
Protein change: p.Val21fs; shifts the reading frame from valine 21.
Molecular consequence: frameshift variant.
Genome position (GRCh38, 1-based): chr9:37,422,811, G deleted; the last of 3 consecutive G bases (chr9:37,422,809-37,422,811); deleting any one gives the same sequence. VCF-style (leftmost placement, unchanged base first): chr9-37422808-AG-A. GRCh37 (hg19) VCF-style: chr9-37422805-AG-A.
Other names: short protein forms V21fs.
Identifiers: ClinVar variation 3597319 (VCV003597319.2).

ClinVar aggregate classification (germline): Pathogenic/Likely pathogenic. Review status: criteria provided, multiple submitters, no conflicts (2 of 4 stars). 2 submissions from 2 submitters: Pathogenic (1); Likely pathogenic (1). Last evaluated 2024-06-06.

Conditions:
Primary hyperoxaluria, type II (HP2). Also called: Primary hyperoxaluria type 2; D-GLYCERATE DEHYDROGENASE DEFICIENCY; GLYCERIC ACIDURIA; GLYOXYLATE REDUCTASE/HYDROXYPYRUVATE REDUCTASE DEFICIENCY; OXALOSIS II. Identifiers: Orphanet 416, Orphanet 93599, MedGen C0268165, MONDO:0009824, OMIM 260000. Disease mechanism: loss of function.

Submissions (2):

Fulgent Genetics
Classification: Likely pathogenic for Primary hyperoxaluria, type II. Last evaluated: 2024-06-06. Review status: criteria provided, single submitter. Criteria: ACMG Guidelines, 2015. Collection method: clinical testing. Allele origin: germline.

Myriad Genetics, Inc.
Classification: Pathogenic for Primary hyperoxaluria, type II. Last evaluated: 2024-02-29. Review status: criteria provided, single submitter. Criteria: Myriad Autosomal Dominant, Autosomal Recessive and X-Linked Classification Criteria (2023). Collection method: clinical testing. Allele origin: unknown.
Comment: NM_012203.1(GRHPR):c.61delG(V21Sfs*25) is expected to be pathogenic in the context of primary hyperoxaluria type 2. This variant is predicted to lead to an abnormal or absent protein product due to the creation of a premature termination codon in GRHPR, a gene where loss-of-function variants are known to be pathogenic. Please note: this variant was assessed in the context of healthy population screening.